The following is an entry in ClinVar:

NM_001204.7(BMPR2):c.*3446G>A

Gene: BMPR2 (bone morphogenetic protein receptor type 2; plus strand). Cytogenetic location: 2q33.2.
Variant type: single nucleotide variant.
Coding change: c.*3446G>A on transcript NM_001204.7 (MANE Select); 3446 bases downstream of the stop codon, G replaced by A.
Molecular consequence: 3 prime UTR variant.
Genome position (GRCh38, 1-based): chr2:202,563,392, G>A. VCF-style: chr2-202563392-G-A. GRCh37 (hg19) VCF-style: chr2-203428115-G-A.
Other names: c.*3446G>A (LRG_712t1).
Identifiers: ClinVar variation 333690 (VCV000333690.5), dbSNP rs528232781, ClinGen allele CA10613923.

ClinVar aggregate classification (germline): Likely benign (1 of 4 stars; one submission).

Conditions:
Pulmonary hypertension, primary, 1 (PPH1). Also called: Pulmonary hypertension, familial primary, 1, with or without HHT. Identifiers: Orphanet 422, MedGen C4552070, MONDO:0024533, OMIM 178600.

Allele frequency attached by ClinVar (database versions not stated): gnomAD 0.00009 and 0.00005; TOPMed 0.00008; 1000 Genomes Project 30x 0.00078; 1000 Genomes Project 0.00100.

Submission:

Illumina Laboratory Services, Illumina
Classification: Likely benign for Pulmonary hypertension, primary, 1. Last evaluated: 2018-01-13. Review status: criteria provided, single submitter. Criteria: ICSL Variant Classification Criteria 13 December 2019. Collection method: clinical testing. Allele origin: germline.
Comment: This variant was observed in the ICSL laboratory as part of a predisposition screen in an ostensibly healthy population. It had not been previously curated by ICSL or reported in the Human Gene Mutation Database (HGMD: prior to June 1st, 2018), and was therefore a candidate for classification through an automated scoring system. Utilizing variant allele frequency, disease prevalence and penetrance estimates, and inheritance mode, an automated score was calculated to assess if this variant is too frequent to cause the disease. Based on the score and internal cut-off values, a variant classified as likely benign is not then subjected to further curation. The score for this variant resulted in a classification of likely benign for this disease.